The following is an entry in ClinVar:

ClinVar aggregate classification (germline): Likely benign (1 of 4 stars; one submission).

Submission:

GeneDx
Classification: Likely benign. Last evaluated: 2017-03-24. Review status: criteria provided, single submitter. Criteria: GeneDx Variant Classification (06012015). Collection method: clinical testing. Allele origin: germline. Affected: yes.
Comment: This variant is considered likely benign or benign based on one or more of the following criteria: it is a conservative change, it occurs at a poorly conserved position in the protein, it is predicted to be benign by multiple in silico algorithms, and/or has population frequency not consistent with disease.

NM_001267550.2(TTN):c.27608-11C>G

Gene: TTN (titin; minus strand). Cytogenetic location: 2q31.2.
Variant type: single nucleotide variant.
Coding change: c.27608-11C>G on transcript NM_001267550.2 (MANE Select); 11 bases into the intron before coding-DNA position 27608, C replaced by G.
Molecular consequence: intron variant.
Genome position (GRCh38, 1-based): chr2:178,712,233, G>C on the plus strand (C>G on the coding strand, the complement: TTN is on the minus strand). VCF-style: chr2-178712233-G-C. GRCh37 (hg19) VCF-style: chr2-179576960-G-C.
Other names: c.26657-11C>G (NM_001256850.1); c.13282+25849C>G (NM_003319.4); c.13858+25849C>G (NM_133437.4); c.13657+25849C>G (NM_133432.3); c.23876-11C>G (NM_133378.4).
Identifiers: ClinVar variation 508455 (VCV000508455.1), dbSNP rs1553890853, ClinGen allele CA658796049.
Genomic context (GRCh38, chr2:178,712,233, plus strand): 5'-TCCAACAGACACCTTAACCGGCTCCAACTGCTTGACAAAATACGGTGGTTCTGCAGCCAA[G>C]AGAGATAATCAATCAGTCATGAAGGAGACATGCCAGATCATCGATTGTATACAAAGATAA-3'